The following is an entry in ClinVar:

ClinVar aggregate classification (germline): Likely benign (1 of 4 stars; one submission).

gnomAD v4.1: 17 of 1,614,134 alleles (0.0011%); highest among the groups gnomAD compares: South Asian, 0.0022%; no homozygotes.

Submission:

CeGaT Center for Human Genetics Tuebingen
Classification: Likely benign. Last evaluated: 2024-08-01. Review status: criteria provided, single submitter. Criteria: CeGaT Center For Human Genetics Tuebingen Variant Classification Criteria Version 2. Collection method: clinical testing. Allele origin: germline. Affected: yes. Observed: 1 variant allele.
Comment: CFAP45: BP4, BP7

NM_012337.3(CFAP45):c.1168C>A (p.Arg390=)

Gene: CFAP45 (cilia and flagella associated protein 45; minus strand). Cytogenetic location: 1q23.2.
Variant type: single nucleotide variant.
Coding change: c.1168C>A on transcript NM_012337.3 (MANE Select); coding-DNA position 1168, C replaced by A.
Protein change: p.Arg390=; no amino-acid change (arginine 390 retained).
Molecular consequence: synonymous variant.
Genome position (GRCh38, 1-based): chr1:159,876,740, G>T on the plus strand (C>A on the coding strand, the complement: CFAP45 is on the minus strand). VCF-style: chr1-159876740-G-T. GRCh37 (hg19) VCF-style: chr1-159846530-G-T.
Identifiers: ClinVar variation 3341788 (VCV003341788.16).